The following is an entry in ClinVar:

ClinVar aggregate classification (germline): Uncertain significance. Review status: criteria provided, multiple submitters, no conflicts (2 of 4 stars). 2 submissions from 2 submitters: Uncertain significance (2). Last evaluated 2026-03-19.

Conditions:
Familial thoracic aortic aneurysm and aortic dissection (TAAD). Also called: Thoracic aortic aneurysms and dissections. Identifiers: Orphanet 91387, MedGen C4707243, MONDO:0019625.
Ehlers-Danlos syndrome, kyphoscoliotic type 1 (EDSKSCL1). Also called: EHLERS-DANLOS SYNDROME, TYPE VIA; Ehlers-Danlos syndrome, hydroxylysine-deficient; EHLERS-DANLOS SYNDROME, OCULAR-SCOLIOTIC TYPE; PLOD1-Related Kyphoscoliotic Ehlers-Danlos Syndrome. Identifiers: Orphanet 1900, MedGen C0268342, MONDO:0016002, OMIM 225400. Disease mechanism: loss of function.

Allele frequency attached by ClinVar (database versions not stated): gnomAD 0.00001; ExAC 0.00001; gnomAD exomes 0.00001; TOPMed 0.00001.
gnomAD v4.1: 5 of 1,613,606 alleles (0.00031%); highest among the groups gnomAD compares: Admixed American, 0.0067%; no homozygotes.

Submissions (2):

Ambry Genetics
Classification: Uncertain significance for Familial thoracic aortic aneurysm and aortic dissection. Last evaluated: 2026-03-19. Review status: criteria provided, single submitter. Criteria: Ambry Variant Classification Scheme 2023. Collection method: clinical testing. Allele origin: germline.
Comment: The p.P479S variant (also known as c.1435C>T), located in coding exon 13 of the PLOD1 gene, results from a C to T substitution at nucleotide position 1435. The proline at codon 479 is replaced by serine, an amino acid with similar properties. This amino acid position is conserved. In addition, this alteration is predicted to be tolerated by in silico analysis. Based on the available evidence, the clinical significance of this variant remains unclear.

Labcorp Genetics (formerly Invitae), Labcorp
Classification: Uncertain significance for Ehlers-Danlos syndrome, kyphoscoliotic type 1. Last evaluated: 2024-10-01. Review status: criteria provided, single submitter. Criteria: Invitae Variant Classification Sherloc (09022015). Collection method: clinical testing. Allele origin: germline.
Comment: This sequence change replaces proline, which is neutral and non-polar, with serine, which is neutral and polar, at codon 479 of the PLOD1 protein (p.Pro479Ser). This variant is present in population databases (rs758780380, gnomAD 0.006%). This variant has not been reported in the literature in individuals affected with PLOD1-related conditions. ClinVar contains an entry for this variant (Variation ID: 1438664). Invitae Evidence Modeling of protein sequence and biophysical properties (such as structural, functional, and spatial information, amino acid conservation, physicochemical variation, residue mobility, and thermodynamic stability) indicates that this missense variant is not expected to disrupt PLOD1 protein function with a negative predictive value of 80%. In summary, the available evidence is currently insufficient to determine the role of this variant in disease. Therefore, it has been classified as a Variant of Uncertain Significance.

NM_000302.4(PLOD1):c.1435C>T (p.Pro479Ser)

Gene: PLOD1 (procollagen-lysine,2-oxoglutarate 5-dioxygenase 1; plus strand). Cytogenetic location: 1p36.22.
Variant type: single nucleotide variant.
Coding change: c.1435C>T on transcript NM_000302.4 (MANE Select); coding-DNA position 1435, C replaced by T.
Protein change: p.Pro479Ser; replaces proline 479 with serine.
Molecular consequence: missense variant.
Genome position (GRCh38, 1-based): chr1:11,964,750, C>T. VCF-style: chr1-11964750-C-T. GRCh37 (hg19) VCF-style: chr1-12024807-C-T.
Other names: c.1576C>T, p.Pro526Ser (NM_001316320.2); c.1435C>T (NM_000302.3); short protein forms P526S, P479S.
Identifiers: ClinVar variation 1438664 (VCV001438664.8), dbSNP rs758780380, ClinGen allele CA598386.